The following is an entry in ClinVar:

ClinVar aggregate classification (germline): Benign (1 of 4 stars; one submission).

Submission:

Biesecker Lab/Clinical Genomics Section, National Institutes of Health
Classification: Benign. Last evaluated: 2013-06-24. Review status: criteria provided, single submitter. Criteria: Ng et al. (Circ Cardiovasc Genet. 2013). Collection method: research. Allele origin: unknown. Observed: 37 variant alleles. Study: ClinSeq.
Comment: The study set was not selected for affection status in relation to any cancer. Pathogenicity categories were based on literature curation. See Pubmed ID:23861362 for details.

Medical sequencing

NM_001267550.2(TTN):c.102832G>T (p.Gly34278Ter)

Genes: TTN (titin; minus strand), TTN-AS1 (TTN antisense RNA 1; plus strand). Cytogenetic location: 2q31.2.
Variant type: single nucleotide variant.
Coding change: c.102832G>T on transcript NM_001267550.2 (MANE Select); coding-DNA position 102832, G replaced by T.
Protein change: p.Gly34278Ter; replaces glycine 34278 with a stop codon.
Molecular consequence: nonsense.
Genome position (GRCh38, 1-based): chr2:178,533,783, C>A on the plus strand (G>T on the coding strand, the complement: TTN is on the minus strand). VCF-style: chr2-178533783-C-A. GRCh37 (hg19) VCF-style: chr2-179398510-C-A.
Other names: c.97909G>T, p.Gly32637Ter (NM_001256850.1); c.75637G>T, p.Gly25213Ter (NM_003319.4); c.95128G>T, p.Gly31710Ter (NM_133378.4); c.76012G>T, p.Gly25338Ter (NM_133432.3); c.76213G>T, p.Gly25405Ter (NM_133437.4); short protein forms G31710*, G34278*, G32637*, G25213*, G25338*, G25405*.
Identifiers: ClinVar variation 192196 (VCV000192196.1), dbSNP rs786205337, ClinGen allele CA200052.